The following is an entry in ClinVar:

ClinVar aggregate classification (germline): Uncertain significance (1 of 4 stars; one submission).

Submission:

GeneDx
Classification: Uncertain significance. Last evaluated: 2023-10-20. Review status: criteria provided, single submitter. Criteria: GeneDx Variant Classification Process June 2021. Collection method: clinical testing. Allele origin: germline. Affected: yes.
Comment: Not observed at significant frequency in large population cohorts (gnomAD); In silico analysis supports that this missense variant does not alter protein structure/function; Has not been previously published as pathogenic or benign to our knowledge

NM_001378418.1(TCF20):c.4802C>T (p.Ala1601Val)

Gene: TCF20 (transcription factor 20; minus strand). Cytogenetic location: 22q13.2.
Variant type: single nucleotide variant.
Coding change: c.4802C>T on transcript NM_001378418.1 (MANE Select); coding-DNA position 4802, C replaced by T.
Protein change: p.Ala1601Val; replaces alanine 1601 with valine.
Molecular consequence: missense variant.
Genome position (GRCh38, 1-based): chr22:42,210,504, G>A on the plus strand (C>T on the coding strand, the complement: TCF20 is on the minus strand). VCF-style: chr22-42210504-G-A. GRCh37 (hg19) VCF-style: chr22-42606510-G-A.
Other names: c.4802C>T, p.Ala1601Val (NM_005650.4, NM_181492.3); short protein forms A1601V.
Identifiers: ClinVar variation 3363401 (VCV003363401.1).